The following is an entry in ClinVar:

NM_032119.4(ADGRV1):c.9083A>G (p.Asn3028Ser)

Gene: ADGRV1 (adhesion G protein-coupled receptor V1; plus strand). Cytogenetic location: 5q14.3.
Variant type: single nucleotide variant.
Coding change: c.9083A>G on transcript NM_032119.4 (MANE Select); coding-DNA position 9083, A replaced by G.
Protein change: p.Asn3028Ser; replaces asparagine 3028 with serine.
Molecular consequence: missense variant. On other transcripts: non-coding transcript variant (1).
Genome position (GRCh38, 1-based): chr5:90,712,327, A>G. VCF-style: chr5-90712327-A-G. GRCh37 (hg19) VCF-style: chr5-90008144-A-G.
Other names: short protein forms N3028S.
Identifiers: ClinVar variation 197473 (VCV000197473.23), dbSNP rs150549897, ClinGen allele CA245640.

ClinVar aggregate classification (germline): Conflicting classifications of pathogenicity. Review status: criteria provided, conflicting classifications (1 of 4 stars). 7 submissions from 7 submitters: Uncertain significance (1); Likely benign (5). 1 of the submissions does not count toward it. Last evaluated 2026-05-27.

Conditions:
ADGRV1-related disorder. Also called: ADGRV1-related disorders; ADGRV1-related condition.

Allele frequency attached by ClinVar (database versions not stated): gnomAD exomes 0.00007 and 0.00022; ExAC 0.00072; gnomAD 0.00080 and 0.00085; TOPMed 0.00090; 1000 Genomes Project 30x 0.00109; ESP Exome Variant Server 0.00111; 1000 Genomes Project 0.00120.
gnomAD v4.1: 243 of 1,557,030 alleles (0.016%); highest among the groups gnomAD compares: African/African-American, 0.26%; no homozygotes.

Submissions (7):

Women's Health and Genetics/Laboratory Corporation of America, LabCorp
Classification: Likely benign. Last evaluated: 2026-05-27. Review status: criteria provided, single submitter. Criteria: LabCorp Variant Classification Summary - May 2015. Collection method: clinical testing. Allele origin: germline.
Comment: Variant summary: ADGRV1 c.9083A>G (p.Asn3028Ser) results in a conservative amino acid change in the encoded protein sequence. Algorithms developed to predict the effect of missense changes on protein structure and function all suggest that this variant is likely to be tolerated. The variant allele was found at a frequency of 0.00022 in 179420 control chromosomes, predominantly at a frequency of 0.003 within the African or African-American subpopulation in the gnomAD database. The observed variant frequency within African or African-American control individuals in the gnomAD database exceeds the estimated maximal expected allele frequency for disease-causing variants in ADGRV1. c.9083A>G has been observed with another missense variant in an individual affected with ADGRV1-related Rolandic epilepsy without strong evidence of causility (Liu_2022). These report(s) do not provide unequivocal conclusions about association of the variant with disease. To our knowledge, no experimental evidence demonstrating an impact on protein function has been reported. The following publication have been ascertained in the context of this evaluation (PMID: 34160719). ClinVar contains an entry for this variant (Variation ID: 197473). Based on the evidence outlined above, the variant was classified as likely benign.

Labcorp Genetics (formerly Invitae), Labcorp
Classification: Likely benign. Last evaluated: 2026-01-28. Review status: criteria provided, single submitter. Criteria: Invitae Variant Classification Sherloc (09022015). Collection method: clinical testing. Allele origin: germline.

Blueprint Genetics
Classification: Likely benign. Last evaluated: 2024-10-21. Review status: criteria provided, single submitter. Criteria: ACMG Guidelines, 2015. Collection method: clinical testing. Allele origin: germline.

GeneDx
Classification: Likely benign. Last evaluated: 2019-04-17. Review status: criteria provided, single submitter. Criteria: GeneDx Variant Classification Process June 2021. Collection method: clinical testing. Allele origin: germline. Affected: yes.

Laboratory for Molecular Medicine, Mass General Brigham Personalized Medicine
Classification: Likely benign. Last evaluated: 2016-08-24. Review status: criteria provided, single submitter. Criteria: LMM Criteria. Collection method: clinical testing. Allele origin: germline. Observed: 2 variant alleles.
Comment: p.Asn3028Ser in exon 42 of GPR98: This variant is not expected to have clinical significance because it has been identified in 0.6% (18/2968) of African chromos omes by the Exome Aggregation Consortium (ExAC; dbSNP rs150549897).

Eurofins Ntd Llc (ga)
Classification: Uncertain significance. Last evaluated: 2014-07-11. Review status: criteria provided, single submitter. Criteria: EGL Classification Definitions 2015. Collection method: clinical testing. Allele origin: germline. Observed: 1 variant allele, 1 heterozygote.

PreventionGenetics, part of Exact Sciences
Classification: Likely benign for ADGRV1-related condition. Last evaluated: 2024-01-03. Review status: no assertion criteria provided. Collection method: clinical testing. Allele origin: germline. Not counted in ClinVar's aggregate classification.
Comment: This variant is classified as likely benign based on ACMG/AMP sequence variant interpretation guidelines (Richards et al. 2015 PMID: 25741868, with internal and published modifications).

Literature cited by the submitters: PubMed 34160719 (cited by Women's Health and Genetics/Laboratory Corporation of America, LabCorp).